The following is an entry in ClinVar:

ClinVar aggregate classification (germline): Benign/Likely benign. Review status: criteria provided, multiple submitters, no conflicts (2 of 4 stars). 10 submissions from 10 submitters: Benign (6); Likely benign (3). 1 of the submissions does not count toward it. Last evaluated 2026-02-04.

Conditions:
Congenital factor V deficiency. Also called: LABILE FACTOR DEFICIENCY; OWREN PARAHEMOPHILIA; PARAHEMOPHILIA; Hereditary factor V deficiency disease. Identifiers: Orphanet 326, MedGen C0015499, MONDO:0009210, OMIM 227400.
Thrombophilia due to activated protein C resistance (THPH2). Also called: Activated protein C resistance; PCCF DEFICIENCY; PROC COFACTOR DEFICIENCY; Hereditary Resistance to Activated Protein C; THROMBOPHILIA DUE TO DEFICIENCY OF ACTIVATED PROTEIN C COFACTOR; THROMBOPHILIA V. Identifiers: MedGen C1861171, MONDO:0008560, OMIM 188055. Disease mechanism: gain of function, loss of function.
Factor V deficiency. Also called: Reduced coagulation factor V activity. Identifiers: Orphanet 326, MedGen C4317320, MONDO:0020586, HP:0003225.

Allele frequency attached by ClinVar (database versions not stated): 1000 Genomes Project 30x 0.04185; ESP Exome Variant Server 0.04529; 1000 Genomes Project 0.04553; gnomAD 0.05074 and 0.05166; gnomAD exomes 0.05220 and 0.05666; ExAC 0.06117.
gnomAD v4.1: 80,308 of 1,538,076 alleles (5.2%); highest among the groups gnomAD compares: Admixed American, 8.5%; 3,267 homozygotes.

Submissions (10):

Labcorp Genetics (formerly Invitae), Labcorp
Classification: Benign for Congenital factor V deficiency. Last evaluated: 2026-02-04. Review status: criteria provided, single submitter. Criteria: Invitae Variant Classification Sherloc (09022015). Collection method: clinical testing. Allele origin: germline.

CeGaT Center for Human Genetics Tuebingen
Classification: Benign. Last evaluated: 2025-11-01. Review status: criteria provided, single submitter. Criteria: CeGaT Center For Human Genetics Tuebingen Variant Classification Criteria Version 2. Collection method: clinical testing. Allele origin: germline. Affected: yes. Observed: 1 variant allele.
Comment: F5: BS1, BS2

Dasa
Classification: Benign. Last evaluated: 2025-06-06. Review status: criteria provided, single submitter. Criteria: DASA Assertion Criteria. Collection method: clinical testing. Allele origin: germline.
Comment: NM_000130.5(F5):c.3980A>G (p.His1327Arg) is a missense variant that results in the substitution of histidine with arginine. Population frequency is inconsistent with a disease-causing role for this variant, and observations in unaffected individuals support a benign interpretation. Computational prediction algorithms are consistent with a benign effect. Therefore, based on the currently available evidence, this variant is classified as benign.

GeneDx
Classification: Benign. Last evaluated: 2021-05-04. Review status: criteria provided, single submitter. Criteria: GeneDx Variant Classification Process June 2021. Collection method: clinical testing. Allele origin: germline. Affected: yes.
Comment: This variant is associated with the following publications: (PMID: 33103541, 24175756, 22023244, 9375735, 19652888)

Mayo Clinic Laboratories, Mayo Clinic
Classification: Benign. Last evaluated: 2020-04-06. Review status: criteria provided, single submitter. Criteria: ACMG Guidelines, 2015. Collection method: clinical testing. Allele origin: germline. Observed: 34 variant alleles.

Mendelics
Classification: Likely benign for Congenital factor V deficiency. Last evaluated: 2019-05-28. Review status: criteria provided, single submitter. Criteria: Mendelics Assertion Criteria 2017. Collection method: clinical testing. Allele origin: unknown.

Illumina Laboratory Services, Illumina
Classification: Likely benign for Thrombophilia due to activated protein C resistance. Last evaluated: 2017-04-27. Review status: criteria provided, single submitter. Criteria: ICSL Variant Classification Criteria 13 December 2019. Collection method: clinical testing. Allele origin: germline.
Comment: This variant was observed as part of a predisposition screen in an ostensibly healthy population. A literature search was performed for the gene, cDNA change, and amino acid change (where applicable). No publications were found based on this search. Allele frequency data from public databases allowed determination this variant is unlikely to cause disease. Therefore, this variant is classified as likely benign.

Breakthrough Genomics
Classification: Likely benign. Review status: criteria provided, single submitter. Criteria: ACMG Guidelines, 2015. Collection method: not provided. Allele origin: germline. Inheritance: Autosomal recessive inheritance. Affected: yes.

PreventionGenetics, part of Exact Sciences
Classification: Benign. Review status: criteria provided, single submitter. Criteria: ACMG Guidelines, 2015. Collection method: clinical testing. Allele origin: germline.

GeneReviews
No classification provided. Condition: Thrombophilia due to activated protein C resistance. Review status: no classification provided. Collection method: literature only. Allele origin: germline. Not counted in ClinVar's aggregate classification.

Literature cited by the submitters: NCBI Bookshelf NBK1368 (cited by GeneReviews).

NM_000130.5(F5):c.3980A>G (p.His1327Arg)

Gene: F5 (coagulation factor V; minus strand). Cytogenetic location: 1q24.2.
Variant type: single nucleotide variant.
Coding change: c.3980A>G on transcript NM_000130.5 (MANE Select); coding-DNA position 3980, A replaced by G.
Protein change: p.His1327Arg; replaces histidine 1327 with arginine.
Molecular consequence: missense variant.
Genome position (GRCh38, 1-based): chr1:169,541,110, T>C on the plus strand (A>G on the coding strand, the complement: F5 is on the minus strand). VCF-style: chr1-169541110-T-C. GRCh37 (hg19) VCF-style: chr1-169510348-T-C.
Other names: A4070G; H1299R; R2 allele; c.4125A>G (NM_000130.4); short protein forms H1327R.
Identifiers: ClinVar variation 37345 (VCV000037345.26), dbSNP rs1800595, ClinGen allele CA1233780.